The following is an entry in ClinVar:

ClinVar aggregate classification (germline): Uncertain significance (1 of 4 stars; one submission).

Conditions:
Heterotopia, periventricular, X-linked dominant (PVNH1). Also called: PERIVENTRICULAR NODULAR HETEROTOPIA 4; HETEROTOPIA, PERIVENTRICULAR, 1; PERIVENTRICULAR NODULAR HETEROTOPIA 1; X-linked periventricular heterotopia. Identifiers: Orphanet 2149, Orphanet 82004, MedGen C1848213, MONDO:0010233, OMIM 300049.
Oto-palato-digital syndrome, type II (OPD2). Also called: Otopalatodigital Syndrome, Type II; FACIOPALATOOSSEOUS SYNDROME; OPD II SYNDROME; Otopalatodigital Syndrome Type 2 (FLNA-OPD2). Identifiers: Orphanet 669, Orphanet 90652, MedGen C1844696, MONDO:0010571, OMIM 304120.
Melnick-Needles syndrome (MNS). Also called: MELNICK-NEEDLES OSTEODYSPLASTY; OSTEODYSPLASTY OF MELNICK AND NEEDLES; Melnick-Needles Syndrome (FLNA-MNS). Identifiers: Orphanet 2484, MedGen C0025237, MONDO:0010650, OMIM 309350.
Frontometaphyseal dysplasia (FMD1). Identifiers: Orphanet 1826, MedGen C0265293, MONDO:0015942.

Submission:

Labcorp Genetics (formerly Invitae), Labcorp
Classification: Uncertain significance for Oto-palato-digital syndrome, type II; Heterotopia, periventricular, X-linked dominant; Frontometaphyseal dysplasia; Melnick-Needles syndrome. Last evaluated: 2025-09-03. Review status: criteria provided, single submitter. Criteria: Invitae Variant Classification Sherloc (09022015). Collection method: clinical testing. Allele origin: germline.
Comment: This variant, c.2497_2499dup, results in the insertion of 1 amino acid(s) of the FLNA protein (p.Thr833dup), but otherwise preserves the integrity of the reading frame. This variant is not present in population databases (gnomAD no frequency). This variant has not been reported in the literature in individuals affected with FLNA-related conditions. In summary, the available evidence is currently insufficient to determine the role of this variant in disease. Therefore, it has been classified as a Variant of Uncertain Significance.

NM_001110556.2(FLNA):c.2497_2499dup (p.Thr833_Phe834insThr)

Gene: FLNA (filamin A; minus strand). Cytogenetic location: Xq28.
Variant type: Duplication.
Coding change: c.2497_2499dup on transcript NM_001110556.2 (MANE Select); coding-DNA positions 2497 to 2499, 3 bases duplicated (ACC; older notation c.2497_2499dupACC).
Protein change: p.Thr833_Phe834insThr.
Genome position (GRCh38, 1-based): chrX:154,362,484-154,362,486, GGT duplicated on the plus strand (ACC on the coding strand, the reverse complement: FLNA is on the minus strand); duplicating any 3 consecutive bases within chrX:154,362,484-154,362,487 gives the same sequence; the c. name uses the placement nearest the transcript's 3' end. VCF-style (leftmost placement, unchanged base first): chrX-154362483-A-AGGT. GRCh37 (hg19) VCF-style: chrX-153590851-A-AGGT.
Other names: c.2497_2499dup, p.Thr833_Phe834insThr (NM_001456.4).
Identifiers: ClinVar variation 4786049 (VCV004786049.1).